The following is an entry in ClinVar:

ClinVar aggregate classification (germline): Uncertain significance (1 of 4 stars; one submission).

Conditions:
Inborn genetic diseases. Identifiers: MedGen C0950123, MeSH D030342.

Submission:

Ambry Genetics
Classification: Uncertain significance for Inborn genetic diseases. Last evaluated: 2025-05-07. Review status: criteria provided, single submitter. Criteria: Ambry Variant Classification Scheme 2023. Collection method: clinical testing. Allele origin: germline.
Comment: The p.P507A variant (also known as c.1519C>G), located in coding exon 7 of the SH2B3 gene, results from a C to G substitution at nucleotide position 1519. The proline at codon 507 is replaced by alanine, an amino acid with highly similar properties. This amino acid position is conserved. In addition, this alteration is predicted to be tolerated by in silico analysis. Based on the available evidence, the clinical significance of this variant remains unclear.

NM_005475.3(SH2B3):c.1519C>G (p.Pro507Ala)

Gene: SH2B3 (SH2B adaptor protein 3; plus strand). Cytogenetic location: 12q24.12.
Variant type: single nucleotide variant.
Coding change: c.1519C>G on transcript NM_005475.3 (MANE Select); coding-DNA position 1519, C replaced by G.
Protein change: p.Pro507Ala; replaces proline 507 with alanine.
Molecular consequence: missense variant.
Genome position (GRCh38, 1-based): chr12:111,448,093, C>G. VCF-style: chr12-111448093-C-G. GRCh37 (hg19) VCF-style: chr12-111885897-C-G.
Other names: c.913C>G, p.Pro305Ala (NM_001291424.1); short protein forms P507A, P305A.
Identifiers: ClinVar variation 3953487 (VCV003953487.1).